The following is an entry in ClinVar:

NM_176787.5(PIGN):c.981G>A (p.Leu327=)

Gene: PIGN (phosphatidylinositol glycan anchor biosynthesis class N; minus strand). Cytogenetic location: 18q21.33.
Variant type: single nucleotide variant.
Coding change: c.981G>A on transcript NM_176787.5 (MANE Select); coding-DNA position 981, G replaced by A.
Protein change: p.Leu327=; no amino-acid change (leucine 327 retained).
Molecular consequence: synonymous variant.
Genome position (GRCh38, 1-based): chr18:62,140,462, C>T on the plus strand (G>A on the coding strand, the complement: PIGN is on the minus strand). VCF-style: chr18-62140462-C-T. GRCh37 (hg19) VCF-style: chr18-59807695-C-T.
Other names: c.981G>A, p.Leu327= (NM_012327.6).
Identifiers: ClinVar variation 2661898 (VCV002661898.5), dbSNP rs2513771847, ClinGen allele CA504068704.

ClinVar aggregate classification (germline): Conflicting classifications of pathogenicity. Review status: criteria provided, conflicting classifications (1 of 4 stars). 3 submissions from 3 submitters: Likely pathogenic (2); Uncertain significance (1). Last evaluated 2026-04-06.

Conditions:
Multiple congenital anomalies-hypotonia-seizures syndrome 1 (MCAHS1). Also called: GLYCOSYLPHOSPHATIDYLINOSITOL BIOSYNTHESIS DEFECT 3; PIGN-CDG; Congenital disorder of glycosylation due to PIGN deficiency. Identifiers: Orphanet 280633, MedGen C3279775, MONDO:0013563, OMIM 614080.

Submissions (3):

Women's Health and Genetics/Laboratory Corporation of America, LabCorp
Classification: Likely pathogenic for Multiple congenital anomalies-hypotonia-seizures syndrome 1. Last evaluated: 2026-04-06. Review status: criteria provided, single submitter. Criteria: LabCorp Variant Classification Summary - May 2015. Collection method: clinical testing. Allele origin: germline.
Comment: Variant summary: PIGN c.981G>A alters a conserved nucleotide resulting in a synonymous change. Consensus agreement among computation tools predict no significant impact on normal splicing. However, at least one publication reports experimental evidence that this variant affects mRNA splicing, resulting in an in-frame deletion of 20 amino acids (Zhang_2024). The variant was absent in 1551808 control chromosomes (gnomAD v4.1). c.981G>A has been observed in individuals affected with Multiple Congenital Anomalies-Hypotonia Syndrome 1 (Zhang_2024). The following publication has been ascertained in the context of this evaluation (PMID: 38280421). ClinVar contains an entry for this variant (Variation ID: 2661898). Based on the evidence outlined above, the variant was classified as likely pathogenic.

Blueprint Genetics
Classification: Uncertain significance. Last evaluated: 2024-10-25. Review status: criteria provided, single submitter. Criteria: ACMG Guidelines, 2015. Collection method: clinical testing. Allele origin: germline.

Prenatal Diagnosis Center, Peking University People's Hospital
Classification: Likely pathogenic for Multiple congenital anomalies-hypotonia-seizures syndrome 1. Last evaluated: 2023-11-15. Review status: criteria provided, single submitter. Criteria: ACMG Guidelines, 2015. Collection method: research. Allele origin: paternal, not applicable. Affected: yes. Observed: 1 compound heterozygote. Functional consequence: effect on RNA splicing.
Comment: RNA-seq revealed that c.981G>A caused the skipping of the entire exon 11 (60 bp), resulting in an in-frame deletion of 20 amino acid residues in the PIGN gene. This variant is present in population databases (1000 Genome:.; ExAC:.; gnomAD:.). For these reasons, this variant has been classified as likely Pathogenic(PS3, PM2_PP, PM3, PP1).

Literature cited by the submitters: PubMed 38280421 (cited by Women's Health and Genetics/Laboratory Corporation of America, LabCorp).